The following is an entry in ClinVar:

NM_000553.6(WRN):c.3763C>G (p.Leu1255Val)

Gene: WRN (WRN RecQ like helicase; plus strand). Cytogenetic location: 8p12.
Variant type: single nucleotide variant.
Coding change: c.3763C>G on transcript NM_000553.6 (MANE Select); coding-DNA position 3763, C replaced by G.
Protein change: p.Leu1255Val; replaces leucine 1255 with valine.
Molecular consequence: missense variant.
Genome position (GRCh38, 1-based): chr8:31,154,699, C>G. VCF-style: chr8-31154699-C-G. GRCh37 (hg19) VCF-style: chr8-31012215-C-G.
Other names: short protein forms L1255V.
Identifiers: ClinVar variation 2819806 (VCV002819806.3), dbSNP rs2536056677, ClinGen allele CA370929132.
Genomic context (GRCh38, chr8:31,154,699, plus strand): 5'-AGTACAAAACCTCAAGAAGAACAGAAGACGAGTCTGGTAGCAAAAAATAAAATATGCACA[C>G]TTTCACAGTCTATGGCCATCACATACTCTTTATTCCAAGAAAAGAAGATGCCTTTGGTAA-3'
Protein context (NP_000544.2, residues 1245-1265): SLVAKNKICT[Leu1255Val]SQSMAITYSL

ClinVar aggregate classification (germline): Uncertain significance (1 of 4 stars; one submission).

Conditions:
Werner syndrome (WRN). Identifiers: Orphanet 902, MedGen C0043119, MONDO:0010196, OMIM 277700.

Submission:

Labcorp Genetics (formerly Invitae), Labcorp
Classification: Uncertain significance for Werner syndrome. Last evaluated: 2022-12-10. Review status: criteria provided, single submitter. Criteria: Invitae Variant Classification Sherloc (09022015). Collection method: clinical testing. Allele origin: germline.
Comment: This variant is not present in population databases (gnomAD no frequency). This sequence change replaces leucine, which is neutral and non-polar, with valine, which is neutral and non-polar, at codon 1255 of the WRN protein (p.Leu1255Val). This variant has not been reported in the literature in individuals affected with WRN-related conditions. Algorithms developed to predict the effect of missense changes on protein structure and function are either unavailable or do not agree on the potential impact of this missense change (SIFT: "Not Available"; PolyPhen-2: "Benign"; Align-GVGD: "Not Available"). In summary, the available evidence is currently insufficient to determine the role of this variant in disease. Therefore, it has been classified as a Variant of Uncertain Significance.